The following is an entry in ClinVar:

NM_021008.4(DEAF1):c.419G>A (p.Ser140Asn)

Gene: DEAF1 (DEAF1 transcription factor; minus strand). Cytogenetic location: 11p15.5.
Variant type: single nucleotide variant.
Coding change: c.419G>A on transcript NM_021008.4 (MANE Select); coding-DNA position 419, G replaced by A.
Protein change: p.Ser140Asn; replaces serine 140 with asparagine.
Molecular consequence: missense variant. On other transcripts: 5 prime UTR variant (1).
Genome position (GRCh38, 1-based): chr11:688,429, C>T on the plus strand (G>A on the coding strand, the complement: DEAF1 is on the minus strand). VCF-style: chr11-688429-C-T. GRCh37 (hg19) VCF-style: chr11-688429-C-T.
Other names: c.419G>A, p.Ser140Asn (NM_001293634.2); c.-308G>A (NM_001367390.1); short protein forms S140N.
Identifiers: ClinVar variation 3694477 (VCV003694477.2).

ClinVar aggregate classification (germline): Uncertain significance (1 of 4 stars; one submission).

Submission:

Labcorp Genetics (formerly Invitae), Labcorp
Classification: Uncertain significance. Last evaluated: 2024-09-18. Review status: criteria provided, single submitter. Criteria: Invitae Variant Classification Sherloc (09022015). Collection method: clinical testing. Allele origin: germline.
Comment: This sequence change replaces serine, which is neutral and polar, with asparagine, which is neutral and polar, at codon 140 of the DEAF1 protein (p.Ser140Asn). This variant is not present in population databases (gnomAD no frequency). This variant has not been reported in the literature in individuals affected with DEAF1-related conditions. Invitae Evidence Modeling of protein sequence and biophysical properties (such as structural, functional, and spatial information, amino acid conservation, physicochemical variation, residue mobility, and thermodynamic stability) has been performed for this missense variant. However, the output from this modeling did not meet the statistical confidence thresholds required to predict the impact of this variant on DEAF1 protein function. In summary, the available evidence is currently insufficient to determine the role of this variant in disease. Therefore, it has been classified as a Variant of Uncertain Significance.